The following is an entry in ClinVar:

NM_014244.5(ADAMTS2):c.1164G>A (p.Pro388=)

Gene: ADAMTS2 (ADAM metallopeptidase with thrombospondin type 1 motif 2; minus strand). Cytogenetic location: 5q35.3.
Variant type: single nucleotide variant.
Coding change: c.1164G>A on transcript NM_014244.5 (MANE Select); coding-DNA position 1164, G replaced by A.
Protein change: p.Pro388=; no amino-acid change (proline 388 retained).
Molecular consequence: synonymous variant.
Genome position (GRCh38, 1-based): chr5:179,154,888, C>T on the plus strand (G>A on the coding strand, the complement: ADAMTS2 is on the minus strand). VCF-style: chr5-179154888-C-T. GRCh37 (hg19) VCF-style: chr5-178581889-C-T.
Other names: c.1164G>A, p.Pro388= (NM_021599.4).
Identifiers: ClinVar variation 353124 (VCV000353124.21), dbSNP rs141348218, ClinGen allele CA3596014.

ClinVar aggregate classification (germline): Conflicting classifications of pathogenicity. Review status: criteria provided, conflicting classifications (1 of 4 stars). 6 submissions from 6 submitters: Uncertain significance (1); Likely benign (4). 1 of the submissions does not count toward it. Last evaluated 2026-02-22.

Conditions:
ADAMTS2-related disorder. Also called: ADAMTS2-related condition.
Ehlers-Danlos syndrome, dermatosparaxis type. Also called: Dermatosparaxis; Ehlers-Danlos syndrome, type VII, autosomal recessive; EDS VIIC. Identifiers: Orphanet 1901, MedGen C2700425, MONDO:0009161, OMIM 225410.

Allele frequency attached by ClinVar (database versions not stated): TOPMed 0.00055; gnomAD 0.00056 and 0.00061; ESP Exome Variant Server 0.00062; 1000 Genomes Project 30x 0.00125; 1000 Genomes Project 0.00140.
gnomAD v4.1: 189 of 1,613,588 alleles (0.012%); highest among the groups gnomAD compares: African/African-American, 0.19%; no homozygotes.

Submissions (6):

PreventionGenetics, part of Exact Sciences
Classification: Likely benign for ADAMTS2-related condition. Last evaluated: 2026-02-22. Review status: criteria provided, single submitter. Criteria: ACMG Guidelines, 2015. Collection method: clinical testing. Allele origin: germline.
Comment: This variant is classified as likely benign based on ACMG/AMP sequence variant interpretation guidelines (Richards et al. 2015 PMID: 25741868, with internal and published modifications).

Labcorp Genetics (formerly Invitae), Labcorp
Classification: Likely benign for Ehlers-Danlos syndrome, dermatosparaxis type. Last evaluated: 2026-02-02. Review status: criteria provided, single submitter. Criteria: Invitae Variant Classification Sherloc (09022015). Collection method: clinical testing. Allele origin: germline.

Women's Health and Genetics/Laboratory Corporation of America, LabCorp
Classification: Likely benign. Last evaluated: 2025-11-04. Review status: criteria provided, single submitter. Criteria: LabCorp Variant Classification Summary - May 2015. Collection method: clinical testing. Allele origin: germline.

GeneDx
Classification: Likely benign. Last evaluated: 2021-06-22. Review status: criteria provided, single submitter. Criteria: GeneDx Variant Classification Process June 2021. Collection method: clinical testing. Allele origin: germline. Affected: yes.

Illumina Laboratory Services, Illumina
Classification: Uncertain significance for Ehlers-Danlos syndrome, dermatosparaxis type. Last evaluated: 2018-01-13. Review status: criteria provided, single submitter. Criteria: ICSL Variant Classification Criteria 13 December 2019. Collection method: clinical testing. Allele origin: germline.

Natera, Inc.
Classification: Likely benign for Ehlers-Danlos syndrome type VIIC. Last evaluated: 2020-09-16. Review status: no assertion criteria provided. Collection method: clinical testing. Allele origin: germline. Not counted in ClinVar's aggregate classification.